The following is an entry in ClinVar:

ClinVar aggregate classification (germline): Uncertain significance (1 of 4 stars; one submission).

Conditions:
Muscular dystrophy-dystroglycanopathy (congenital with brain and eye anomalies), type A9. Also called: WALKER-WARBURG SYNDROME OR MUSCLE-EYE BRAIN DISEASE, DAG1-RELATED; Muscular dystrophy-dystroglycanopathy (congenital with brain and eye anomalies), type a, 9. Identifiers: Orphanet 370997, Orphanet 899, MedGen C4225291, MONDO:0014683, OMIM 616538.
Autosomal recessive limb-girdle muscular dystrophy type 2P. Also called: Limb-Girdle Muscular Dystrophy Type 9C; MUSCULAR DYSTROPHY-DYSTROGLYCANOPATHY, LIMB-GIRDLE, DAG1-RELATED; MUSCULAR DYSTROPHY, LIMB-GIRDLE, TYPE 2P. Identifiers: Orphanet 280333, MedGen C4511963, MONDO:0013440, OMIM 613818.

gnomAD v4.1: 1 of 1,614,080 alleles (0.000062%); highest among the groups gnomAD compares: South Asian, 0.0011%; no homozygotes.

Submission:

Labcorp Genetics (formerly Invitae), Labcorp
Classification: Uncertain significance for Autosomal recessive limb-girdle muscular dystrophy type 2P; Muscular dystrophy-dystroglycanopathy (congenital with brain and eye anomalies), type A9. Last evaluated: 2024-04-08. Review status: criteria provided, single submitter. Criteria: Invitae Variant Classification Sherloc (09022015). Collection method: clinical testing. Allele origin: germline.
Comment: This sequence change replaces proline, which is neutral and non-polar, with leucine, which is neutral and non-polar, at codon 305 of the DAG1 protein (p.Pro305Leu). This variant is not present in population databases (gnomAD no frequency). This variant has not been reported in the literature in individuals affected with DAG1-related conditions. ClinVar contains an entry for this variant (Variation ID: 2010107). Advanced modeling of protein sequence and biophysical properties (such as structural, functional, and spatial information, amino acid conservation, physicochemical variation, residue mobility, and thermodynamic stability) performed at Invitae indicates that this missense variant is not expected to disrupt DAG1 protein function with a negative predictive value of 80%. In summary, the available evidence is currently insufficient to determine the role of this variant in disease. Therefore, it has been classified as a Variant of Uncertain Significance.

NM_004393.6(DAG1):c.914C>T (p.Pro305Leu)

Gene: DAG1 (dystroglycan 1; plus strand). Cytogenetic location: 3p21.31.
Variant type: single nucleotide variant.
Coding change: c.914C>T on transcript NM_004393.6 (MANE Select); coding-DNA position 914, C replaced by T.
Protein change: p.Pro305Leu; replaces proline 305 with leucine.
Molecular consequence: missense variant.
Genome position (GRCh38, 1-based): chr3:49,531,425, C>T. VCF-style: chr3-49531425-C-T. GRCh37 (hg19) VCF-style: chr3-49568858-C-T.
Other names: c.914C>T, p.Pro305Leu (NM_001165928.4, NM_001177634.3, NM_001177635.3 and 9 more transcripts); short protein forms P305L.
Identifiers: ClinVar variation 2010107 (VCV002010107.4), dbSNP rs765716451, ClinGen allele CA352794362.
Genomic context (GRCh38, chr3:49,531,425, plus strand): 5'-CAATGTCTGCTCAGCTTGGCTACCCTGTGGTGGGTTGGCACATCGCCAATAAGAAGCCCC[C>T]TCTTCCCAAACGCGTCCGGAGGCAGATCCATGCTACACCCACACCTGTCACTGCCATTGG-3'
Protein context (NP_004384.5, residues 295-315): VGWHIANKKP[Pro305Leu]LPKRVRRQIH